The following is an entry in ClinVar:

ClinVar aggregate classification (germline): Uncertain significance (1 of 4 stars; one submission).

Conditions:
Hereditary sensory and autonomic neuropathy type 6. Also called: HSAN VI; Neuropathy, hereditary sensory and autonomic, type VI. Identifiers: Orphanet 314381, MedGen C3539003, MONDO:0013839, OMIM 614653.
Epidermolysis bullosa simplex 3, localized or generalized intermediate, with BP230 deficiency (EBS3). Also called: Epidermolysis bullosa simplex due to BP230 deficiency; Epidermolysis bullosa simplex, autosomal recessive 2. Identifiers: Orphanet 412181, MedGen C3809470, MONDO:0014180, OMIM 615425.

Allele frequency attached by ClinVar (database versions not stated): gnomAD exomes 0.00001; TOPMed 0.00001.
gnomAD v4.1: 4 of 1,594,224 alleles (0.00025%); highest among the groups gnomAD compares: Admixed American, 0.0035%; no homozygotes.

Submission:

Labcorp Genetics (formerly Invitae), Labcorp
Classification: Uncertain significance for Epidermolysis bullosa simplex 3, localized or generalized intermediate, with BP230 deficiency; Hereditary sensory and autonomic neuropathy type 6. Last evaluated: 2022-08-11. Review status: criteria provided, single submitter. Criteria: Invitae Variant Classification Sherloc (09022015). Collection method: clinical testing. Allele origin: germline.
Comment: In summary, the available evidence is currently insufficient to determine the role of this variant in disease. Therefore, it has been classified as a Variant of Uncertain Significance. Experimental studies and prediction algorithms are not available or were not evaluated, and the functional significance of this variant is currently unknown. This variant has not been reported in the literature in individuals affected with DST-related conditions. The frequency data for this variant in the population databases is considered unreliable, as metrics indicate poor data quality at this position in the gnomAD database. This sequence change replaces lysine, which is basic and polar, with glutamic acid, which is acidic and polar, at codon 3623 of the DST protein (p.Lys3623Glu). The DST gene has multiple clinically relevant transcripts. This variant occurs in alternate transcript NM_015548.4, and corresponds to NM_001723.5:c.*104276A>G in the primary transcript.

NM_001374736.1(DST):c.18736A>G (p.Lys6246Glu)

Gene: DST (dystonin; minus strand). Cytogenetic location: 6p12.1.
Variant type: single nucleotide variant.
Coding change: c.18736A>G on transcript NM_001374736.1 (MANE Select); coding-DNA position 18736, A replaced by G.
Protein change: p.Lys6246Glu; replaces lysine 6246 with glutamic acid.
Molecular consequence: missense variant.
Genome position (GRCh38, 1-based): chr6:56,511,241, T>C on the plus strand (A>G on the coding strand, the complement: DST is on the minus strand). VCF-style: chr6-56511241-T-C. GRCh37 (hg19) VCF-style: chr6-56376039-T-C.
Other names: c.12379A>G, p.Lys4127Glu (NM_001144769.5); c.11965A>G, p.Lys3989Glu (NM_001144770.2); c.18736A>G, p.Lys6246Glu (NM_001374722.1); c.17776A>G, p.Lys5926Glu (NM_001374729.1); c.11518A>G, p.Lys3840Glu (NM_001374730.1); c.18763A>G, p.Lys6255Glu (NM_001374734.1); c.11845A>G, p.Lys3949Glu (NM_001386100.1, NM_183380.4); c.10867A>G, p.Lys3623Glu (NM_015548.5); short protein forms K3989E, K4127E, K3949E, K3840E, K6246E, K3623E, K5926E, K6255E.
Identifiers: ClinVar variation 2153795 (VCV002153795.2), dbSNP rs1344468023, ClinGen allele CA364502079.